The following is an entry in ClinVar:

ClinVar aggregate classification (germline): Uncertain significance (1 of 4 stars; one submission).

Submission:

GeneDx
Classification: Uncertain significance. Last evaluated: 2020-01-19. Review status: criteria provided, single submitter. Criteria: GeneDx Variant Classification Process June 2021. Collection method: clinical testing. Allele origin: germline. Affected: yes.
Comment: Not observed in large population cohorts (Lek et al., 2016); In silico analysis, which includes protein predictors and evolutionary conservation, supports a deleterious effect; Has not been previously published as pathogenic or benign to our knowledge

NM_001190274.2(FBXO11):c.1997T>G (p.Val666Gly)

Gene: FBXO11 (F-box protein 11; minus strand). Cytogenetic location: 2p16.3.
Variant type: single nucleotide variant.
Coding change: c.1997T>G on transcript NM_001190274.2 (MANE Select); coding-DNA position 1997, T replaced by G.
Protein change: p.Val666Gly; replaces valine 666 with glycine.
Molecular consequence: missense variant.
Genome position (GRCh38, 1-based): chr2:47,818,788, A>C on the plus strand (T>G on the coding strand, the complement: FBXO11 is on the minus strand). VCF-style: chr2-47818788-A-C. GRCh37 (hg19) VCF-style: chr2-48045927-A-C.
Other names: c.1745T>G, p.Val582Gly (NM_001374325.1, NM_025133.4); short protein forms V582G, V666G.
Identifiers: ClinVar variation 1311185 (VCV001311185.2), dbSNP rs2104701993, ClinGen allele CA346763711.